The following is an entry in ClinVar:

NM_001110556.2(FLNA):c.5257C>T (p.Arg1753Trp)

Gene: FLNA (filamin A; minus strand). Cytogenetic location: Xq28.
Variant type: single nucleotide variant.
Coding change: c.5257C>T on transcript NM_001110556.2 (MANE Select); coding-DNA position 5257, C replaced by T.
Protein change: p.Arg1753Trp; replaces arginine 1753 with tryptophan.
Molecular consequence: missense variant.
Genome position (GRCh38, 1-based): chrX:154,354,672, G>A on the plus strand (C>T on the coding strand, the complement: FLNA is on the minus strand). VCF-style: chrX-154354672-G-A. GRCh37 (hg19) VCF-style: chrX-153583040-G-A.
Other names: c.5233C>T, p.Arg1745Trp (NM_001456.4); short protein forms R1745W, R1753W.
Identifiers: ClinVar variation 1514272 (VCV001514272.8), dbSNP rs782147650, ClinGen allele CA10560347.
Genomic context (GRCh38, chrX:154,354,672, plus strand): 5'-GTACCCAAGTCTGCTGGCCGCCCTGGGCGTAGGTGTACTGTGGGGCCAGCTGCTGAGACC[G>A]TAGAGGGGGCTGCACCGAGGGCTGGTCCCCAGCCAGAGCCTGCAGGGCAAAGCAGAGAGC-3'
Protein context (NP_001104026.1, residues 1743-1763): GDQPSVQPPL[Arg1753Trp]SQQLAPQYTY

ClinVar aggregate classification (germline): Conflicting classifications of pathogenicity. Review status: criteria provided, conflicting classifications (1 of 4 stars). 2 submissions from 2 submitters: Uncertain significance (1); Likely benign (1). Last evaluated 2025-02-12.

Conditions:
Familial thoracic aortic aneurysm and aortic dissection (TAAD). Also called: Thoracic aortic aneurysms and dissections. Identifiers: Orphanet 91387, MedGen C4707243, MONDO:0019625.
Heterotopia, periventricular, X-linked dominant (PVNH1). Also called: PERIVENTRICULAR NODULAR HETEROTOPIA 1; X-linked periventricular heterotopia; PERIVENTRICULAR NODULAR HETEROTOPIA 4; HETEROTOPIA, PERIVENTRICULAR, 1. Identifiers: Orphanet 2149, Orphanet 82004, MedGen C1848213, MONDO:0010233, OMIM 300049.
Melnick-Needles syndrome (MNS). Also called: Melnick-Needles Syndrome (FLNA-MNS); MELNICK-NEEDLES OSTEODYSPLASTY; OSTEODYSPLASTY OF MELNICK AND NEEDLES. Identifiers: Orphanet 2484, MedGen C0025237, MONDO:0010650, OMIM 309350.
Frontometaphyseal dysplasia (FMD1). Identifiers: Orphanet 1826, MedGen C0265293, MONDO:0015942.
Oto-palato-digital syndrome, type II (OPD2). Also called: Otopalatodigital Syndrome Type 2 (FLNA-OPD2); FACIOPALATOOSSEOUS SYNDROME; OPD II SYNDROME; Otopalatodigital Syndrome, Type II. Identifiers: Orphanet 669, Orphanet 90652, MedGen C1844696, MONDO:0010571, OMIM 304120.

Allele frequency attached by ClinVar (database versions not stated): TOPMed below 0.00001; gnomAD 0.00001; gnomAD exomes 0.00001; ExAC 0.00002.

Submissions (2):

Labcorp Genetics (formerly Invitae), Labcorp
Classification: Likely benign for Oto-palato-digital syndrome, type II; Heterotopia, periventricular, X-linked dominant; Frontometaphyseal dysplasia; Melnick-Needles syndrome. Last evaluated: 2025-02-12. Review status: criteria provided, single submitter. Criteria: Invitae Variant Classification Sherloc (09022015). Collection method: clinical testing. Allele origin: germline.

Ambry Genetics
Classification: Uncertain significance for Familial thoracic aortic aneurysm and aortic dissection. Last evaluated: 2020-05-26. Review status: criteria provided, single submitter. Criteria: Ambry Variant Classification Scheme 2023. Collection method: clinical testing. Allele origin: germline.
Comment: The p.R1745W variant (also known as c.5233C>T), located in coding exon 30 of the FLNA gene, results from a C to T substitution at nucleotide position 5233. The arginine at codon 1745 is replaced by tryptophan, an amino acid with dissimilar properties. This amino acid position is well conserved in available vertebrate species. In addition, this alteration is predicted to be tolerated by in silico analysis. Since supporting evidence is limited at this time, the clinical significance of this alteration remains unclear.